The following is an entry in ClinVar:

NM_001168302.2(KLHL13):c.1725G>A (p.Val575=)

Gene: KLHL13 (kelch like family member 13; minus strand). Cytogenetic location: Xq24.
Variant type: single nucleotide variant.
Coding change: c.1725G>A on transcript NM_001168302.2 (MANE Select); coding-DNA position 1725, G replaced by A.
Protein change: p.Val575=; no amino-acid change (valine 575 retained).
Molecular consequence: synonymous variant.
Genome position (GRCh38, 1-based): chrX:117,899,103, C>T on the plus strand (G>A on the coding strand, the complement: KLHL13 is on the minus strand). VCF-style: chrX-117899103-C-T. GRCh37 (hg19) VCF-style: chrX-117033066-C-T.
Other names: c.1782G>A, p.Val594= (NM_001168299.2); c.1755G>A, p.Val585= (NM_001168300.2); c.1725G>A, p.Val575= (NM_001168301.2); c.1620G>A, p.Val540= (NM_001168303.4); c.1773G>A, p.Val591= (NM_001394863.1, NM_033495.4); c.1746G>A, p.Val582= (NM_001394864.1); c.1638G>A, p.Val546= (NM_001394866.1).
Identifiers: ClinVar variation 2661255 (VCV002661255.24), dbSNP rs143128598, ClinGen allele CA10497808.

ClinVar aggregate classification (germline): Likely benign (1 of 4 stars; one submission).

Allele frequency attached by ClinVar (database versions not stated): gnomAD exomes 0.00007; ExAC 0.00022; ESP Exome Variant Server 0.00047; gnomAD 0.00056; TOPMed 0.00058; 1000 Genomes Project 30x 0.00125; 1000 Genomes Project 0.00132.
gnomAD v4.1: 139 of 1,209,890 alleles (0.011%); highest among the groups gnomAD compares: African/African-American, 0.23%; no homozygotes.

Submission:

CeGaT Center for Human Genetics Tuebingen
Classification: Likely benign. Last evaluated: 2022-04-01. Review status: criteria provided, single submitter. Criteria: CeGaT Center For Human Genetics Tuebingen Variant Classification Criteria Version 2. Collection method: clinical testing. Allele origin: germline. Affected: yes. Observed: 1 variant allele.
Comment: KLHL13: BP4, BP7